The following is an entry in ClinVar:

ClinVar aggregate classification (germline): Uncertain significance. Review status: criteria provided, multiple submitters, no conflicts (2 of 4 stars). 4 submissions from 4 submitters: Uncertain significance (4). Last evaluated 2025-09-05.

Conditions:
Cardiovascular phenotype. Identifiers: MedGen CN230736.
Cardiomyopathy (CMYO). Also called: Cardiomyopathies. Identifiers: Orphanet 167848, MedGen C0878544, MONDO:0004994, HP:0001638. Inheritance: Various modes of inheritance.
Arrhythmogenic cardiomyopathy with wooly hair and keratoderma. Also called: PALMOPLANTAR KERATODERMA WITH LEFT VENTRICULAR CARDIOMYOPATHY AND WOOLLY HAIR; Carvajal syndrome; Dilated cardiomyopathy with woolly hair and keratoderma; Arrhythmogenic cardiomyopathy with woolly hair and keratoderma. Identifiers: Orphanet 65282, MedGen C1854063, MONDO:0011581, OMIM 605676.
Arrhythmogenic right ventricular dysplasia 8 (ARVD8). Also called: Arrhythmogenic Right Ventricular Dysplasia/Cardiomyopathy 8; ARRHYTHMOGENIC RIGHT VENTRICULAR DYSPLASIA, FAMILIAL, 8; ARRHYTHMOGENIC RIGHT VENTRICULAR CARDIOMYOPATHY 8. Identifiers: MedGen C1843896, MONDO:0011831, OMIM 607450.

Allele frequency attached by ClinVar (database versions not stated): TOPMed 0.00002.
gnomAD v4.1: 6 of 1,614,158 alleles (0.00037%); highest among the groups gnomAD compares: Admixed American, 0.01%; no homozygotes.

Submissions (4):

Color Diagnostics, LLC DBA Color Health
Classification: Uncertain significance for Cardiomyopathy. Last evaluated: 2025-09-05. Review status: criteria provided, single submitter. Criteria: ACMG Guidelines, 2015. Collection method: clinical testing. Allele origin: germline.
Comment: This missense variant replaces glutamine with histidine at codon 2255 of the DSP protein. Computational prediction suggests that this variant may not impact protein structure and function. To our knowledge, functional studies have not been reported for this variant. This variant has not been reported in individuals affected with DSP-related disorders in the literature. This variant has been identified in 5/251336 chromosomes in the general population by the Genome Aggregation Database (gnomAD). The available evidence is insufficient to determine the role of this variant in disease conclusively. Therefore, this variant is classified as a Variant of Uncertain Significance.

Labcorp Genetics (formerly Invitae), Labcorp
Classification: Uncertain significance for Arrhythmogenic cardiomyopathy with wooly hair and keratoderma; Arrhythmogenic right ventricular dysplasia 8. Last evaluated: 2025-08-05. Review status: criteria provided, single submitter. Criteria: Invitae Variant Classification Sherloc (09022015). Collection method: clinical testing. Allele origin: germline.
Comment: This sequence change replaces glutamine, which is neutral and polar, with histidine, which is basic and polar, at codon 2255 of the DSP protein (p.Gln2255His). This variant is present in population databases (rs766183320, gnomAD 0.01%). This variant has not been reported in the literature in individuals affected with DSP-related conditions. ClinVar contains an entry for this variant (Variation ID: 405245). An algorithm developed to predict the effect of missense changes on protein structure and function (PolyPhen-2) suggests that this variant is likely to be disruptive. In summary, the available evidence is currently insufficient to determine the role of this variant in disease. Therefore, it has been classified as a Variant of Uncertain Significance.

Ambry Genetics
Classification: Uncertain significance for Cardiovascular phenotype. Last evaluated: 2024-05-07. Review status: criteria provided, single submitter. Criteria: Ambry Variant Classification Scheme 2023. Collection method: clinical testing. Allele origin: germline.
Comment: The p.Q2255H variant (also known as c.6765G>T), located in coding exon 24 of the DSP gene, results from a G to T substitution at nucleotide position 6765. The glutamine at codon 2255 is replaced by histidine, an amino acid with highly similar properties. This amino acid position is conserved. In addition, this alteration is predicted to be tolerated by in silico analysis. Based on the available evidence, the clinical significance of this variant remains unclear.

All of Us Research Program, National Institutes of Health
Classification: Uncertain significance for Arrhythmogenic cardiomyopathy with wooly hair and keratoderma. Last evaluated: 2024-01-11. Review status: criteria provided, single submitter. Criteria: ACMG Guidelines, 2015. Collection method: clinical testing. Allele origin: germline. Inheritance: Autosomal dominant inheritance. Observed: 2 variant alleles, 2 heterozygotes.
Comment: This study involves interpretation of variants in research participants for the purpose of population health screening. Participant phenotype was not available at the time of variant classification. Additional details can be found in publication PMID: 35346344, PMCID: PMC8962531

NM_004415.4(DSP):c.6765G>T (p.Gln2255His)

Gene: DSP (desmoplakin; plus strand). Cytogenetic location: 6p24.3.
Variant type: single nucleotide variant.
Coding change: c.6765G>T on transcript NM_004415.4 (MANE Select); coding-DNA position 6765, G replaced by T.
Protein change: p.Gln2255His; replaces glutamine 2255 with histidine.
Molecular consequence: missense variant.
Genome position (GRCh38, 1-based): chr6:7,584,027, G>T. VCF-style: chr6-7584027-G-T. GRCh37 (hg19) VCF-style: chr6-7584260-G-T.
Other names: c.6765G>T (LRG_423t1); c.4968G>T, p.Gln1656His (NM_001008844.3); c.5436G>T, p.Gln1812His (NM_001319034.2); short protein forms Q2255H, Q1812H, Q1656H.
Identifiers: ClinVar variation 405245 (VCV000405245.16), dbSNP rs766183320, ClinGen allele CA048402.